The following is an entry in ClinVar:

ClinVar aggregate classification (germline): Uncertain significance. Review status: criteria provided, multiple submitters, no conflicts (2 of 4 stars). 2 submissions from 2 submitters: Uncertain significance (2). Last evaluated 2025-07-09.

Conditions:
PHARC syndrome. Also called: Polyneuropathy-hearing loss-ataxia-retinitis pigmentosa-cataract syndrome. Identifiers: Orphanet 171848, MedGen C2675204, MONDO:0012984, OMIM 612674.

Allele frequency attached by ClinVar (database versions not stated): gnomAD 0.00001; TOPMed 0.00001.
gnomAD v4.1: 5 of 1,562,132 alleles (0.00032%); highest among the groups gnomAD compares: East Asian, 0.0022%; no homozygotes.

Submissions (2):

Revvity Omics, Revvity
Classification: Uncertain significance for PHARC syndrome. Last evaluated: 2025-07-09. Review status: criteria provided, single submitter. Criteria: ACMG Guidelines, 2015. Collection method: clinical testing. Allele origin: germline.

Labcorp Genetics (formerly Invitae), Labcorp
Classification: Uncertain significance. Last evaluated: 2024-10-29. Review status: criteria provided, single submitter. Criteria: Invitae Variant Classification Sherloc (09022015). Collection method: clinical testing. Allele origin: germline.
Comment: This sequence change falls in intron 9 of the ABHD12 gene. It does not directly change the encoded amino acid sequence of the ABHD12 protein. It affects a nucleotide within the consensus splice site. This variant is not present in population databases (gnomAD no frequency). This variant has not been reported in the literature in individuals affected with ABHD12-related conditions. ClinVar contains an entry for this variant (Variation ID: 1032573). Variants that disrupt the consensus splice site are a relatively common cause of aberrant splicing (PMID: 17576681, 9536098). In summary, the available evidence is currently insufficient to determine the role of this variant in disease. Therefore, it has been classified as a Variant of Uncertain Significance.

Literature cited by the submitters: PubMed 17576681 (cited by Labcorp Genetics (formerly Invitae), Labcorp); PubMed 9536098 (cited by Labcorp Genetics (formerly Invitae), Labcorp).

NM_001042472.3(ABHD12):c.867+2C>T

Gene: ABHD12 (abhydrolase domain containing 12, lysophospholipase; minus strand). Cytogenetic location: 20p11.21.
Variant type: single nucleotide variant.
Coding change: c.867+2C>T on transcript NM_001042472.3 (MANE Select); the canonical splice donor site of the intron after coding-DNA position 867, C replaced by T.
Molecular consequence: splice donor variant.
Genome position (GRCh38, 1-based): chr20:25,307,964, G>A on the plus strand (C>T on the coding strand, the complement: ABHD12 is on the minus strand). VCF-style: chr20-25307964-G-A. GRCh37 (hg19) VCF-style: chr20-25288600-G-A.
Other names: c.867+2C>T (NM_015600.5).
Identifiers: ClinVar variation 1032573 (VCV001032573.13), dbSNP rs1437849678, ClinGen allele CA408455788.